The following is an entry in ClinVar:

ClinVar aggregate classification (germline): Likely benign. Review status: criteria provided, single submitter (1 of 4 stars). 2 submissions from 2 submitters: Likely benign (1). 1 of the submissions does not count toward it. Last evaluated 2026-01-28.

Conditions:
TBCD-related disorder. Also called: TBCD-related condition.

Allele frequency attached by ClinVar (database versions not stated): ESP Exome Variant Server 0.00008; ExAC 0.00010; gnomAD 0.00012; 1000 Genomes Project 30x 0.00016; 1000 Genomes Project 0.00020; TOPMed 0.00029.
gnomAD v4.1: 159 of 1,613,344 alleles (0.0099%); highest among the groups gnomAD compares: Middle Eastern, 0.066%; no homozygotes.

Submissions (3):

Labcorp Genetics (formerly Invitae), Labcorp
Classification: Likely benign. Last evaluated: 2026-01-28. Review status: criteria provided, single submitter. Criteria: Invitae Variant Classification Sherloc (09022015). Collection method: clinical testing. Allele origin: germline.

PreventionGenetics, part of Exact Sciences
Classification: Likely benign for TBCD-related condition. Last evaluated: 2024-07-10. Review status: no assertion criteria provided. Collection method: clinical testing. Allele origin: germline. Not counted in ClinVar's aggregate classification.
Comment: This variant is classified as likely benign based on ACMG/AMP sequence variant interpretation guidelines (Richards et al. 2015 PMID: 25741868, with internal and published modifications).

Dr. Peter K. Rogan Lab, Western University
No classification provided (evidence only). Condition: Familial cancer of breast. Review status: no classification provided. Collection method: in vitro. Allele origin: not applicable. Functional consequence: retained intron. Not counted in ClinVar's aggregate classification.

NM_005993.5(TBCD):c.1650-9C>G

Gene: TBCD (tubulin folding cofactor D). Cytogenetic location: 17q25.3.
Variant type: single nucleotide variant.
Coding change: c.1650-9C>G on transcript NM_005993.5 (MANE Select); 9 bases into the intron before coding-DNA position 1650, C replaced by G.
Molecular consequence: intron variant.
Genome position (GRCh38, 1-based): chr17:82,900,642, C>G. VCF-style: chr17-82900642-C-G. GRCh37 (hg19) VCF-style: chr17-80858518-C-G.
Other names: c.1650-9C>G (NM_005993.4).
Identifiers: ClinVar variation 2060316 (VCV002060316.7), dbSNP rs200801451, ClinGen allele CA8862703.
Genomic context (GRCh38, chr17:82,900,642, plus strand): 5'-ATTCCCACCCACAGGCAGTGAGTTCTCGTTCTTCCGCGTCTCACCACCTCTCCATGCTGT[C>G]TTTTCCAGTGTGTTTATTGCCGGCTTTCCTGAGTACACGCAGCCAATGATAGACCACCTG-3'